The following is an entry in ClinVar:

NM_001128840.3(CACNA1D):c.6230A>G (p.Asp2077Gly)

Gene: CACNA1D (calcium voltage-gated channel subunit alpha1 D; plus strand). Cytogenetic location: 3p21.1.
Variant type: single nucleotide variant.
Coding change: c.6230A>G on transcript NM_001128840.3 (MANE Select); coding-DNA position 6230, A replaced by G.
Protein change: p.Asp2077Gly; replaces aspartic acid 2077 with glycine.
Molecular consequence: missense variant.
Genome position (GRCh38, 1-based): chr3:53,811,150, A>G. VCF-style: chr3-53811150-A-G. GRCh37 (hg19) VCF-style: chr3-53845177-A-G.
Other names: c.6290A>G, p.Asp2097Gly (NM_000720.4); c.6158A>G, p.Asp2053Gly (NM_001128839.3); short protein forms D2053G, D2077G, D2097G.
Identifiers: ClinVar variation 3717018 (VCV003717018.2).
Genomic context (GRCh38, chr3:53,811,150, plus strand): 5'-ATCCATCCCTCTTTTCTGTACAGGTCCTGATATCCGAAGGCTTGGGACGCTATGCAAGGG[A>G]CCCAAAATTTGTGTCAGCAACAAAACACGAAATCGCTGATGCCTGTGACCTCACCATCGA-3'
Protein context (NP_001122312.1, residues 2067-2087): ISEGLGRYAR[Asp2077Gly]PKFVSATKHE

ClinVar aggregate classification (germline): Uncertain significance (1 of 4 stars; one submission).

Submission:

Labcorp Genetics (formerly Invitae), Labcorp
Classification: Uncertain significance. Last evaluated: 2024-09-19. Review status: criteria provided, single submitter. Criteria: Invitae Variant Classification Sherloc (09022015). Collection method: clinical testing. Allele origin: germline.
Comment: This sequence change replaces aspartic acid, which is acidic and polar, with glycine, which is neutral and non-polar, at codon 2097 of the CACNA1D protein (p.Asp2097Gly). This variant is not present in population databases (gnomAD no frequency). This variant has not been reported in the literature in individuals affected with CACNA1D-related conditions. An algorithm developed to predict the effect of missense changes on protein structure and function (PolyPhen-2) suggests that this variant is likely to be disruptive. In summary, the available evidence is currently insufficient to determine the role of this variant in disease. Therefore, it has been classified as a Variant of Uncertain Significance.